The following is an entry in ClinVar:

NM_000083.3(CLCN1):c.450C>A (p.Tyr150Ter)

Gene: CLCN1 (chloride voltage-gated channel 1; plus strand). Cytogenetic location: 7q34.
Variant type: single nucleotide variant.
Coding change: c.450C>A on transcript NM_000083.3 (MANE Select); coding-DNA position 450, C replaced by A.
Protein change: p.Tyr150Ter; replaces tyrosine 150 with a stop codon.
Molecular consequence: nonsense. On other transcripts: non-coding transcript variant (1).
Genome position (GRCh38, 1-based): chr7:143,321,381, C>A. VCF-style: chr7-143321381-C-A. GRCh37 (hg19) VCF-style: chr7-143018474-C-A.
Other names: short protein forms Y150*.
Identifiers: ClinVar variation 2927187 (VCV002927187.5), dbSNP rs56307536, ClinGen allele CA369683373.

ClinVar aggregate classification (germline): Pathogenic. Review status: criteria provided, multiple submitters, no conflicts (2 of 4 stars). 3 submissions from 3 submitters: Pathogenic (3). Last evaluated 2024-09-24.

Conditions:
CLCN1-related disorder. Also called: CLCN1-related condition.
Congenital myotonia, autosomal recessive form. Also called: BECKER DISEASE; myotonia congenita, autosomal recessive; Becker Generalized Myotonia. Identifiers: Orphanet 614, MedGen C0751360, MONDO:0009715, OMIM 255700.
Congenital myotonia, autosomal dominant form (THD). Also called: THOMSEN DISEASE; Myotonia congenita autosomal dominant. Identifiers: Orphanet 614, MedGen C2936781, MONDO:0008055, OMIM 160800.

Submissions (3):

Blueprint Genetics
Classification: Pathogenic for CLCN1-related disorders. Last evaluated: 2024-09-24. Review status: criteria provided, single submitter. Criteria: ACMG Guidelines, 2015. Collection method: clinical testing. Allele origin: germline. Affected: yes. Observed: 1 variant allele.

3billion
Classification: Pathogenic for Congenital myotonia, autosomal recessive form. Last evaluated: 2024-07-23. Review status: criteria provided, single submitter. Criteria: ACMG Guidelines, 2015. Collection method: clinical testing. Allele origin: germline. Affected: yes.
Comment: The variant is not observed in the gnomAD v4.0.0 dataset. Predicted Consequence/Location: Stop-gained (nonsense): predicted to result in a loss or disruption of normal protein function through nonsense-mediated decay (NMD) or protein truncation. Multiple pathogenic variants are reported downstream of the variant. The variant has been reported to be associated with CLCN1-related disorder (ClinVar ID: VCV002927187 /PMID: 29480456). Therefore, this variant is classified as Pathogenic according to the recommendation of ACMG/AMP guideline.

Labcorp Genetics (formerly Invitae), Labcorp
Classification: Pathogenic for Congenital myotonia, autosomal recessive form; Congenital myotonia, autosomal dominant form. Last evaluated: 2023-05-16. Review status: criteria provided, single submitter. Criteria: Invitae Variant Classification Sherloc (09022015). Collection method: clinical testing. Allele origin: germline.
Comment: For these reasons, this variant has been classified as Pathogenic. Algorithms developed to predict the effect of sequence changes on RNA splicing suggest that this variant may disrupt the consensus splice site. This premature translational stop signal has been observed in individual(s) with clinical features of myotonia congenita (PMID: 29480456). It has also been observed to segregate with disease in related individuals. This variant is not present in population databases (gnomAD no frequency). This sequence change creates a premature translational stop signal (p.Tyr150*) in the CLCN1 gene. It is expected to result in an absent or disrupted protein product. Loss-of-function variants in CLCN1 are known to be pathogenic (PMID: 17932099, 22094069, 23739125).

Literature cited by the submitters: PubMed 29480456 (cited by 3billion and Labcorp Genetics (formerly Invitae), Labcorp); PubMed 17932099 (cited by Labcorp Genetics (formerly Invitae), Labcorp); PubMed 22094069 (cited by Labcorp Genetics (formerly Invitae), Labcorp); PubMed 23739125 (cited by Labcorp Genetics (formerly Invitae), Labcorp).